The following is an entry in ClinVar:

NM_001042492.3(NF1):c.2305C>T (p.Pro769Ser)

Gene: NF1 (neurofibromin 1; plus strand). Cytogenetic location: 17q11.2.
Variant type: single nucleotide variant.
Coding change: c.2305C>T on transcript NM_001042492.3 (MANE Select); coding-DNA position 2305, C replaced by T.
Protein change: p.Pro769Ser; replaces proline 769 with serine.
Molecular consequence: missense variant.
Genome position (GRCh38, 1-based): chr17:31,227,271, C>T. VCF-style: chr17-31227271-C-T. GRCh37 (hg19) VCF-style: chr17-29554289-C-T.
Other names: c.2305C>T, p.Pro769Ser (NM_000267.4); short protein forms P769S.
Identifiers: ClinVar variation 863640 (VCV000863640.7), dbSNP rs2067031963, ClinGen allele CA398982872.

ClinVar aggregate classification (germline): Uncertain significance. Review status: criteria provided, multiple submitters, no conflicts (2 of 4 stars). 2 submissions from 2 submitters: Uncertain significance (2). Last evaluated 2025-12-12.

Conditions:
Hereditary cancer-predisposing syndrome. Also called: Tumor predisposition; Hereditary Cancer Syndrome; Neoplastic Syndromes, Hereditary; Hereditary neoplastic syndrome. Identifiers: Orphanet 140162, MedGen C0027672, MeSH D009386, MONDO:0015356.
Cardiovascular phenotype. Identifiers: MedGen CN230736.
Neurofibromatosis, type 1 (NF1). Also called: Neurofibromatosis, type I; VON RECKLINGHAUSEN DISEASE; Peripheral type neurofibromatosis; NEUROFIBROMATOSIS, TYPE I, SOMATIC. Identifiers: Orphanet 636, MedGen C0027831, MONDO:0018975, OMIM 162200. Disease mechanism: loss of function.

gnomAD v4.1: 1 of 1,613,652 alleles (0.000062%); highest among the groups gnomAD compares: Non-Finnish European, 0.000085%; no homozygotes.

Submissions (2):

Labcorp Genetics (formerly Invitae), Labcorp
Classification: Uncertain significance for Neurofibromatosis, type 1. Last evaluated: 2025-12-12. Review status: criteria provided, single submitter. Criteria: Invitae Variant Classification Sherloc (09022015). Collection method: clinical testing. Allele origin: germline.
Comment: This sequence change replaces proline, which is neutral and non-polar, with serine, which is neutral and polar, at codon 769 of the NF1 protein (p.Pro769Ser). This variant is not present in population databases (gnomAD no frequency). This variant has not been reported in the literature in individuals affected with NF1-related conditions. ClinVar contains an entry for this variant (Variation ID: 863640). Invitae Evidence Modeling of protein sequence and biophysical properties (such as structural, functional, and spatial information, amino acid conservation, physicochemical variation, residue mobility, and thermodynamic stability) has been performed for this missense variant. However, the output from this modeling did not meet the statistical confidence thresholds required to predict the impact of this variant on NF1 protein function. In summary, the available evidence is currently insufficient to determine the role of this variant in disease. Therefore, it has been classified as a Variant of Uncertain Significance.

Ambry Genetics
Classification: Uncertain significance for Cardiovascular phenotype; Hereditary cancer-predisposing syndrome. Last evaluated: 2024-10-25. Review status: criteria provided, single submitter. Criteria: Ambry Variant Classification Scheme 2023. Collection method: clinical testing. Allele origin: germline.
Comment: The p.P769S variant (also known as c.2305C>T), located in coding exon 19 of the NF1 gene, results from a C to T substitution at nucleotide position 2305. The proline at codon 769 is replaced by serine, an amino acid with similar properties. This amino acid position is highly conserved in available vertebrate species. In addition, this alteration is predicted to be deleterious by in silico analysis. Based on the available evidence, the clinical significance of this variant remains unclear.